The following is an entry in ClinVar:

NM_006019.4(TCIRG1):c.747G>T (p.Gln249His)

Gene: TCIRG1 (T cell immune regulator 1, ATPase H+ transporting V0 subunit a3; plus strand). Cytogenetic location: 11q13.2.
Variant type: single nucleotide variant.
Coding change: c.747G>T on transcript NM_006019.4 (MANE Select); coding-DNA position 747, G replaced by T.
Protein change: p.Gln249His; replaces glutamine 249 with histidine.
Molecular consequence: missense variant. On other transcripts: 5 prime UTR variant (1).
Genome position (GRCh38, 1-based): chr11:68,043,847, G>T. VCF-style: chr11-68043847-G-T. GRCh37 (hg19) VCF-style: chr11-67811314-G-T.
Other names: c.-148G>T (NM_001351059.2); c.99G>T, p.Gln33His (NM_006053.4); short protein forms Q249H, Q33H.
Identifiers: ClinVar variation 1417907 (VCV001417907.7), dbSNP rs1419160143, ClinGen allele CA381579170.
Genomic context (GRCh38, chr11:68,043,847, plus strand): 5'-CCCTCACGCAGCGCATCCTCCCTCCAGCTTCCACTGCCACGTCTTCCCGTTTCTGCAGCA[G>T]GAGGAGGCCCGCCTCGGGGCCCTGCAGCAGCTGCAACAGCAGAGCCAGGAGCTGCAGGAG-3'
Protein context (NP_006010.2, residues 239-259): FHCHVFPFLQ[Gln249His]EEARLGALQQ

ClinVar aggregate classification (germline): Uncertain significance (1 of 4 stars; one submission).

Allele frequency attached by ClinVar (database versions not stated): gnomAD exomes 0.00001.
gnomAD v4.1: 2 of 1,560,820 alleles (0.00013%); highest among the groups gnomAD compares: Admixed American, 0.0019%; no homozygotes.

Submission:

Labcorp Genetics (formerly Invitae), Labcorp
Classification: Uncertain significance. Last evaluated: 2025-01-27. Review status: criteria provided, single submitter. Criteria: Invitae Variant Classification Sherloc (09022015). Collection method: clinical testing. Allele origin: germline.
Comment: This sequence change replaces glutamine, which is neutral and polar, with histidine, which is basic and polar, at codon 249 of the TCIRG1 protein (p.Gln249His). The frequency data for this variant in the population databases is considered unreliable, as metrics indicate poor data quality at this position in the gnomAD database. This variant has not been reported in the literature in individuals affected with TCIRG1-related conditions. ClinVar contains an entry for this variant (Variation ID: 1417907). Invitae Evidence Modeling of protein sequence and biophysical properties (such as structural, functional, and spatial information, amino acid conservation, physicochemical variation, residue mobility, and thermodynamic stability) indicates that this missense variant is not expected to disrupt TCIRG1 protein function with a negative predictive value of 80%. In summary, the available evidence is currently insufficient to determine the role of this variant in disease. Therefore, it has been classified as a Variant of Uncertain Significance.